The following is an entry in ClinVar:

NM_000059.4(BRCA2):c.9275A>G (p.Tyr3092Cys)

Gene: BRCA2 (BRCA2 DNA repair associated; plus strand). Cytogenetic location: 13q13.1.
Variant type: single nucleotide variant.
Coding change: c.9275A>G on transcript NM_000059.4 (MANE Select); coding-DNA position 9275, A replaced by G.
Protein change: p.Tyr3092Cys; replaces tyrosine 3092 with cysteine.
Molecular consequence: missense variant.
Genome position (GRCh38, 1-based): chr13:32,394,707, A>G. VCF-style: chr13-32394707-A-G. GRCh37 (hg19) VCF-style: chr13-32968844-A-G.
Other names: NP_000050.3:p.Tyr3092Cys; 9503A>G; short protein forms Y3092C.
Identifiers: ClinVar variation 52800 (VCV000052800.71), dbSNP rs80359195, ClinGen allele CA026081.

ClinVar aggregate classification (germline): Conflicting classifications of pathogenicity. Review status: criteria provided, conflicting classifications (1 of 4 stars). 20 submissions from 20 submitters: Uncertain significance (2); Benign (3); Likely benign (9). 6 of the submissions do not count toward it. Last evaluated 2026-09-01.

Conditions:
BRCA2-related disorder. Also called: BRCA2-related condition; BRCA2-related disorders. Identifiers: MedGen CN239275.
Breast and/or ovarian cancer. Identifiers: MedGen CN221562.
Hereditary cancer-predisposing syndrome. Also called: Neoplastic Syndromes, Hereditary; Tumor predisposition; Hereditary Cancer Syndrome; Hereditary neoplastic syndrome. Identifiers: Orphanet 140162, MedGen C0027672, MeSH D009386, MONDO:0015356.
Hereditary breast ovarian cancer syndrome. Also called: Hereditary breast and/or ovarian cancer syndrome; Hereditary breast and ovarian cancer syndrome; Hereditary breast and ovarian cancer; Hereditary breast and ovarian cancer syndrome (HBOC); Breast and ovarian cancer; BRCA1- and BRCA2-Associated Hereditary Breast and Ovarian Cancer. Identifiers: Orphanet 145, MedGen C0677776, MeSH D061325, MONDO:0003582. Disease mechanism: loss of function.
Breast-ovarian cancer, familial, susceptibility to, 2 (BROVCA2). Also called: BRCA2 Hereditary Breast and Ovarian Cancer. Identifiers: Orphanet 145, MedGen C2675520, MONDO:0012933, OMIM 612555. Disease mechanism: loss of function.

Allele frequency attached by ClinVar (database versions not stated): TOPMed 0.00004; gnomAD 0.00005.
gnomAD v4.1: 106 of 1,613,290 alleles (0.0066%); highest among the groups gnomAD compares: Middle Eastern, 0.016%; no homozygotes.

Submissions 1 to 19 of 20:

CeGaT Center for Human Genetics Tuebingen
Classification: Likely benign. Last evaluated: 2026-09-01. Review status: criteria provided, single submitter. Criteria: CeGaT Center For Human Genetics Tuebingen Variant Classification Criteria Version 2. Collection method: clinical testing. Allele origin: germline. Affected: yes. Observed: 2 variant alleles.
Comment: BRCA2: BS1:Supporting, BS3

German Consortium for Hereditary Breast and Ovarian Cancer, University Hospital Cologne
Classification: Benign for Hereditary breast ovarian cancer syndrome. Last evaluated: 2026-05-06. Review status: criteria provided, single submitter. Criteria: ClinGen BRCA2 1.2.0. Collection method: curation. Allele origin: germline.
Comment: This classification follows the ClinGen ENIGMA BRCA2 v1.2.0 classification scheme; We chose these criteria: PP3 (supporting pathogenic): BayesDel no-AF score 0.387 (but SpliceAI 0.00), BP5 (very strong benign): Combined LR Score 6e-05; PMIDs: 31853058 , 34597585, BP7 (strong benign): 22505045 no observed impact on splicing, BS1 (supporting benign): gnomAD v3.1.2 (non-cancer) Grpmax Filtering AF = 0.00002262 (= 0.002%) gnomAD v2.1.1 (non-cancer) Grpmax Filtering AF = 0.00006422 (0.006%), BS3 (strong benign): Reported by one calibrated study to exhibit protein function similar to benign control variants (PMID:33609447) (BS3 met); + PMIDs 38417439, 39779857, 39779848

Labcorp Genetics (formerly Invitae), Labcorp
Classification: Likely benign for Hereditary breast ovarian cancer syndrome. Last evaluated: 2026-01-28. Review status: criteria provided, single submitter. Criteria: Invitae Variant Classification Sherloc (09022015). Collection method: clinical testing. Allele origin: germline.

Quest Diagnostics Nichols Institute San Juan Capistrano
Classification: Likely benign. Last evaluated: 2025-05-12. Review status: criteria provided, single submitter. Criteria: Quest Diagnostics criteria. Collection method: clinical testing. Allele origin: unknown.

ARUP Laboratories, Molecular Genetics and Genomics, ARUP Laboratories
Classification: Likely benign. Last evaluated: 2025-04-11. Review status: criteria provided, single submitter. Criteria: ARUP Molecular Germline Variant Investigation Process 2024. Collection method: clinical testing. Allele origin: germline.

Center for Genomic Medicine, Rigshospitalet, Copenhagen University Hospital
Classification: Likely benign. Last evaluated: 2025-03-04. Review status: criteria provided, single submitter. Criteria: ACMG Guidelines, 2015. Collection method: clinical testing. Allele origin: germline.

Women's Health and Genetics/Laboratory Corporation of America, LabCorp
Classification: Benign. Last evaluated: 2024-12-02. Review status: criteria provided, single submitter. Criteria: LabCorp Variant Classification Summary - May 2015. Collection method: clinical testing. Allele origin: germline.
Comment: Variant summary: BRCA2 c.9275A>G (p.Tyr3092Cys) results in a non-conservative amino acid change located in the BRCA2, oligonucleotide/oligosaccharide-binding, domain 3 (IPR015188) of the encoded protein sequence. Five of five in-silico tools predict a damaging effect of the variant on protein function. The variant allele was found at a frequency of 7.6e-05 in 250616 control chromosomes. This frequency is not significantly higher than estimated for a pathogenic variant in BRCA2 causing Hereditary Breast And Ovarian Cancer Syndrome (7.6e-05 vs 0.00075). c.9275A>G has been reported in the presumed heterozygous state in the literature in individuals suspected of or affected with Hereditary Breast And Ovarian Cancer Syndrome, without strong evidence for causality (e.g. Lee_2008, Caux-Moncoutier_2009, Juwle_2012, Peixoto_2014, Kowalik_2018, Santonocito_2020, Park_2021). Therefore, these reports do not provide unequivocal conclusions about association of the variant with Hereditary Breast And Ovarian Cancer Syndrome. A co-occurrence with another pathogenic variant has been reported in the UMD database (BRCA2 c.6275_6276delTT, p.Leu2092ProfsX7), providing supporting evidence for a benign role. Several publications report experimental evidence evaluating an impact on protein function. These studies found that the variant has no impact on splicing and has normal HDR activity (e.g. Caux-Moncoutier_2009, Houdayer_2012, Guidugli_2012). HDR assays qualify as a recognized gold standard on the basis of updated guidance provided by the ClinGen Sequence Variant Interpretation (SVI) working group. The following publications have been ascertained in the context of this evaluation (PMID: 19471317, 21120943, 17924331, 23108138, 22505045, 22752604, 19043619, 30040829, 18284688, 21990134, 10717622, 25348012, 34063308, 24916970, 12427538, 32438681). ClinVar contains an entry for this variant (Variation ID: 52800). Based on the evidence outlined above, the variant was classified as benign.

National Health Laboratory Service, Universitas Academic Hospital and University of the Free State
Classification: Likely benign for Hereditary breast ovarian cancer syndrome. Last evaluated: 2022-04-19. Review status: criteria provided, single submitter. Criteria: ACMG Guidelines, 2015. Collection method: clinical testing. Allele origin: germline. Affected: yes. Observed: 2 variant alleles.

GeneDx
Classification: Likely benign. Last evaluated: 2021-04-29. Review status: criteria provided, single submitter. Criteria: GeneDx Variant Classification Process June 2021. Collection method: clinical testing. Allele origin: germline. Affected: yes.
Comment: This variant is associated with the following publications: (PMID: 31131967, 32438681, 17924331, 21990134, 19043619, 22505045, 25782689, 10717622, 23108138, 19471317, 21120943, 24916970, 29394989, 18284688, 30040829, 25348012, 12427538, 29625052, 29884841, 32806537)

Mendelics
Classification: Benign for Breast-ovarian cancer, familial, susceptibility to, 2. Last evaluated: 2019-05-28. Review status: criteria provided, single submitter. Criteria: Mendelics Assertion Criteria 2017. Collection method: clinical testing. Allele origin: unknown.

Ambry Genetics
Classification: Likely benign for Hereditary cancer-predisposing syndrome. Last evaluated: 2018-11-05. Review status: criteria provided, single submitter. Criteria: Ambry Variant Classification Scheme 2023. Collection method: clinical testing. Allele origin: germline.

Color Diagnostics, LLC DBA Color Health
Classification: Likely benign for Hereditary cancer-predisposing syndrome. Last evaluated: 2016-09-16. Review status: criteria provided, single submitter. Criteria: ACMG Guidelines, 2015. Collection method: clinical testing. Allele origin: germline.

Soonchunhyang University Bucheon Hospital, Soonchunhyang University Medical Center
Classification: Uncertain significance for Breast-ovarian cancer, familial, susceptibility to, 2. Last evaluated: 2016-03-18. Review status: criteria provided, single submitter. Criteria: ACMG Guidelines, 2015. Collection method: reference population. Allele origin: germline. Observed: 1 variant allele.

Clinical Genetics DNA and cytogenetics Diagnostics Lab, Erasmus MC, Erasmus Medical Center
Classification: Uncertain significance for Breast-ovarian cancer, familial, susceptibility to, 2. Last evaluated: 2015-09-21. Review status: criteria provided, single submitter. Criteria: ACGS Guidelines, 2013. Collection method: clinical testing. Allele origin: germline. Affected: yes. Study: VKGL Data-share Consensus.

PreventionGenetics, part of Exact Sciences
Classification: Likely benign for BRCA2-related condition. Last evaluated: 2019-04-15. Review status: no assertion criteria provided. Collection method: clinical testing. Allele origin: germline. Not counted in ClinVar's aggregate classification.
Comment: This variant is classified as likely benign based on ACMG/AMP sequence variant interpretation guidelines (Richards et al. 2015 PMID: 25741868, with internal and published modifications).

Counsyl
Classification: Likely benign for Breast-ovarian cancer, familial 2. Last evaluated: 2015-01-15. Review status: no assertion criteria provided. Collection method: literature only. Allele origin: unknown. Inheritance: Autosomal dominant inheritance. Not counted in ClinVar's aggregate classification.

Sharing Clinical Reports Project (SCRP)
Classification: Likely benign for Breast-ovarian cancer, familial 2. Last evaluated: 2012-06-14. Review status: no assertion criteria provided. Collection method: clinical testing. Allele origin: germline. Not counted in ClinVar's aggregate classification.

Foulkes Cancer Genetics LDI, Lady Davis Institute for Medical Research
Classification: Likely benign for Breast and/or ovarian cancer. Last evaluated: 2010-04-21. Review status: no assertion criteria provided. Collection method: clinical testing. Allele origin: germline. Study: The Canadian Open Genetics Repository (COGR). Not counted in ClinVar's aggregate classification.

Breast Cancer Information Core (BIC) (BRCA2)
Classification: Uncertain significance for Breast-ovarian cancer, familial 2. Last evaluated: 2004-02-20. Review status: no assertion criteria provided. Collection method: clinical testing. Allele origin: germline. Affected: yes. Observed: 8 variant alleles. Not counted in ClinVar's aggregate classification.